The following is an entry in ClinVar:

NM_006231.4(POLE):c.6125G>T (p.Gly2042Val)

Gene: POLE (DNA polymerase epsilon, catalytic subunit; minus strand). Cytogenetic location: 12q24.33.
Variant type: single nucleotide variant.
Coding change: c.6125G>T on transcript NM_006231.4 (MANE Select); coding-DNA position 6125, G replaced by T.
Protein change: p.Gly2042Val; replaces glycine 2042 with valine.
Molecular consequence: missense variant.
Genome position (GRCh38, 1-based): chr12:132,632,675, C>A on the plus strand (G>T on the coding strand, the complement: POLE is on the minus strand). VCF-style: chr12-132632675-C-A. GRCh37 (hg19) VCF-style: chr12-133209261-C-A.
Other names: short protein forms G2042V.
Identifiers: ClinVar variation 1001280 (VCV001001280.8), dbSNP rs760893202, ClinGen allele CA6892273.

ClinVar aggregate classification (germline): Uncertain significance (1 of 4 stars; one submission).

Allele frequency attached by ClinVar (database versions not stated): gnomAD exomes below 0.00001; ExAC 0.00001.
gnomAD v4.1: 1 of 1,614,056 alleles (0.000062%); highest among the groups gnomAD compares: Non-Finnish European, 0.000085%; no homozygotes.

Submission:

Labcorp Genetics (formerly Invitae), Labcorp
Classification: Uncertain significance. Last evaluated: 2022-01-27. Review status: criteria provided, single submitter. Criteria: Invitae Variant Classification Sherloc (09022015). Collection method: clinical testing. Allele origin: germline.
Comment: This variant is present in population databases (rs760893202, gnomAD 0.0009%). In summary, the available evidence is currently insufficient to determine the role of this variant in disease. Therefore, it has been classified as a Variant of Uncertain Significance. Algorithms developed to predict the effect of missense changes on protein structure and function are either unavailable or do not agree on the potential impact of this missense change (SIFT: "Deleterious"; PolyPhen-2: "Benign"; Align-GVGD: "Class C0"). ClinVar contains an entry for this variant (Variation ID: 1001280). This variant has not been reported in the literature in individuals affected with POLE-related conditions. This sequence change replaces glycine, which is neutral and non-polar, with valine, which is neutral and non-polar, at codon 2042 of the POLE protein (p.Gly2042Val).